The following is an entry in ClinVar:

NM_001015880.2(PAPSS2):c.709G>A (p.Val237Ile)

Gene: PAPSS2 (3'-phosphoadenosine 5'-phosphosulfate synthase 2; plus strand). Cytogenetic location: 10q23.31.
Variant type: single nucleotide variant.
Coding change: c.709G>A on transcript NM_001015880.2 (MANE Select); coding-DNA position 709, G replaced by A.
Protein change: p.Val237Ile; replaces valine 237 with isoleucine.
Molecular consequence: missense variant.
Genome position (GRCh38, 1-based): chr10:87,715,054, G>A. VCF-style: chr10-87715054-G-A. GRCh37 (hg19) VCF-style: chr10-89474811-G-A.
Other names: c.709G>A, p.Val237Ile (NM_004670.4); short protein forms V237I.
Identifiers: ClinVar variation 2071757 (VCV002071757.3), dbSNP rs201195832, ClinGen allele CA5589533.

ClinVar aggregate classification (germline): Uncertain significance. Review status: criteria provided, multiple submitters, no conflicts (2 of 4 stars). 2 submissions from 2 submitters: Uncertain significance (2). Last evaluated 2022-01-15.

Conditions:
Inborn genetic diseases. Identifiers: MedGen C0950123, MeSH D030342.
Spondyloepimetaphyseal dysplasia, PAPSS2 type. Also called: SEMD, PAKISTANI TYPE; BRACHYOLMIA TYPE 4 WITH MILD EPIPHYSEAL AND METAPHYSEAL CHANGES; SPONDYLODYSPLASIA AND PREMATURE PUBARCHE. Identifiers: Orphanet 93282, MedGen C2748516, MONDO:0019666, OMIM 612847.

Allele frequency attached by ClinVar (database versions not stated): ExAC 0.00005; gnomAD 0.00005; ESP Exome Variant Server 0.00008; 1000 Genomes Project 30x 0.00016; 1000 Genomes Project 0.00020.
gnomAD v4.1: 186 of 1,613,212 alleles (0.012%); highest among the groups gnomAD compares: Middle Eastern, 0.017%; no homozygotes.

Submissions (2):

Labcorp Genetics (formerly Invitae), Labcorp
Classification: Uncertain significance for Spondyloepimetaphyseal dysplasia, PAPSS2 type. Last evaluated: 2022-01-15. Review status: criteria provided, single submitter. Criteria: Invitae Variant Classification Sherloc (09022015). Collection method: clinical testing. Allele origin: germline.
Comment: In summary, the available evidence is currently insufficient to determine the role of this variant in disease. Therefore, it has been classified as a Variant of Uncertain Significance. Algorithms developed to predict the effect of missense changes on protein structure and function output the following: SIFT: "Tolerated"; PolyPhen-2: "Benign"; Align-GVGD: "Class C0". The isoleucine amino acid residue is found in multiple mammalian species, which suggests that this missense change does not adversely affect protein function. This variant has not been reported in the literature in individuals affected with PAPSS2-related conditions. This variant is present in population databases (rs201195832, gnomAD 0.009%). This sequence change replaces valine, which is neutral and non-polar, with isoleucine, which is neutral and non-polar, at codon 237 of the PAPSS2 protein (p.Val237Ile).

Ambry Genetics
Classification: Uncertain significance for Inborn genetic diseases. Last evaluated: 2021-08-17. Review status: criteria provided, single submitter. Criteria: Ambry Variant Classification Scheme 2023. Collection method: clinical testing. Allele origin: germline.